The following is an entry in ClinVar:

ClinVar aggregate classification (germline): Pathogenic (1 of 4 stars; one submission).

Conditions:
Familial cancer of breast. Also called: BREAST CANCER, FAMILIAL; hereditary breast carcinoma; Hereditary breast cancer. Identifiers: Orphanet 227535, MedGen C0346153, MONDO:0016419, OMIM 114480. Disease mechanism: loss of function.

Submission:

Labcorp Genetics (formerly Invitae), Labcorp
Classification: Pathogenic for Familial cancer of breast. Last evaluated: 2024-10-15. Review status: criteria provided, single submitter. Criteria: Invitae Variant Classification Sherloc (09022015). Collection method: clinical testing. Allele origin: germline.
Comment: This sequence change creates a premature translational stop signal (p.Gly307Trpfs*6) in the CHEK2 gene. It is expected to result in an absent or disrupted protein product. Loss-of-function variants in CHEK2 are known to be pathogenic (PMID: 21876083, 24713400). This variant is not present in population databases (gnomAD no frequency). This variant has not been reported in the literature in individuals affected with CHEK2-related conditions. ClinVar contains an entry for this variant (Variation ID: 1457436). For these reasons, this variant has been classified as Pathogenic.

Literature cited by the submitters: PubMed 21876083; PubMed 24713400.

NM_007194.4(CHEK2):c.919_940del (p.Gly307fs)

Gene: CHEK2 (checkpoint kinase 2; minus strand). Cytogenetic location: 22q12.1.
Variant type: Deletion.
Coding change: c.919_940del on transcript NM_007194.4 (MANE Select); coding-DNA positions 919 to 940, 22 bases deleted (GGAGAGCTGTTTGACAAAGTGG).
Protein change: p.Gly307fs; shifts the reading frame from glycine 307.
Molecular consequence: frameshift variant.
Genome position (GRCh38, 1-based): chr22:28,699,906-28,699,927, CCACTTTGTCAAACAGCTCTCC deleted on the plus strand (GGAGAGCTGTTTGACAAAGTGG on the coding strand, the reverse complement: CHEK2 is on the minus strand); deleting any 22 consecutive bases within chr22:28,699,906-28,699,929 gives the same sequence; the c. name uses the placement nearest the transcript's 3' end. VCF-style (leftmost placement, unchanged base first): chr22-28699905-ACCACTTTGTCAAACAGCTCTCC-A. GRCh37 (hg19) VCF-style: chr22-29095893-ACCACTTTGTCAAACAGCTCTCC-A.
Other names: c.1046_1067del22, p.Gly350Trpfs (NM_001005735.3); c.254_275del22, p.Gly86Trpfs (NM_001257387.3); c.716_737del22, p.Gly240Trpfs (NM_001349956.3); c.917_938del22, p.Gly307Trpfs (NM_145862.3); short protein forms G350fs, G307fs, G240fs, G86fs.
Identifiers: ClinVar variation 1457436 (VCV001457436.7), dbSNP rs2145844027, ClinGen allele CA2573158029.